The following is an entry in ClinVar:

NM_000138.5(FBN1):c.3589+6T>C

Gene: FBN1 (fibrillin 1; minus strand). Cytogenetic location: 15q21.1.
Variant type: single nucleotide variant.
Coding change: c.3589+6T>C on transcript NM_000138.5 (MANE Select); 6 bases into the intron after coding-DNA position 3589, T replaced by C.
Molecular consequence: intron variant.
Genome position (GRCh38, 1-based): chr15:48,487,069, A>G on the plus strand (T>C on the coding strand, the complement: FBN1 is on the minus strand). VCF-style: chr15-48487069-A-G. GRCh37 (hg19) VCF-style: chr15-48779266-A-G.
Identifiers: ClinVar variation 993956 (VCV000993956.8), dbSNP rs766478869, ClinGen allele CA051186.

ClinVar aggregate classification (germline): Uncertain significance (1 of 4 stars; one submission).

Allele frequency attached by ClinVar (database versions not stated): gnomAD exomes below 0.00001; ExAC 0.00001.
gnomAD v4.1: 2 of 1,551,472 alleles (0.00013%); highest among the groups gnomAD compares: Non-Finnish European, 0.00017%; no homozygotes.

Submission:

ARUP Laboratories, Molecular Genetics and Genomics, ARUP Laboratories
Classification: Uncertain significance. Last evaluated: 2019-12-21. Review status: criteria provided, single submitter. Criteria: ARUP Molecular Germline Variant Investigation Process. Collection method: clinical testing. Allele origin: germline.
Comment: The FBN1 c.3589+6T>C variant, to our knowledge, is not described in the medical literature or in gene-specific databases. It is observed at a low overall frequency of 0.0004% (1/224896 alleles) in the Genome Aggregation Database, indicating it is not a common polymorphism. This is an intronic variant in a moderately conserved nucleotide, and computational analyses (Alamut v.2.11) predict that this variant may impact splicing by weakening the nearby canonical donor splice site. However, RNA studies are necessary in order to determine what effect this variant has on splicing, if any. Due to limited information, the clinical significance of the c.3589+6T>C variant is uncertain at this time.